The following is an entry in ClinVar:

ClinVar aggregate classification (germline): Likely benign (1 of 4 stars; one submission).

Submission:

CeGaT Center for Human Genetics Tuebingen
Classification: Likely benign. Last evaluated: 2026-07-01. Review status: criteria provided, single submitter. Criteria: CeGaT Center For Human Genetics Tuebingen Variant Classification Criteria Version 2. Collection method: clinical testing. Allele origin: germline. Affected: yes. Observed: 1 variant allele.
Comment: COL11A2: PM2:Supporting, BP4, BP7

NM_080680.3(COL11A2):c.4836T>C (p.Cys1612=)

Gene: COL11A2 (collagen type XI alpha 2 chain; minus strand). Cytogenetic location: 6p21.32.
Variant type: single nucleotide variant.
Coding change: c.4836T>C on transcript NM_080680.3 (MANE Select); coding-DNA position 4836, T replaced by C.
Protein change: p.Cys1612=; no amino-acid change (cysteine 1612 retained).
Molecular consequence: synonymous variant.
Genome position (GRCh38, 1-based): chr6:33,164,879, A>G on the plus strand (T>C on the coding strand, the complement: COL11A2 is on the minus strand). VCF-style: chr6-33164879-A-G. GRCh37 (hg19) VCF-style: chr6-33132656-A-G.
Other names: c.4656T>C, p.Cys1552= (NM_001424108.1); c.3990T>C, p.Cys1330= (NM_001424109.1); c.3810T>C, p.Cys1270= (NM_001424110.1, NM_001424111.1); c.2790T>C, p.Cys930= (NM_001424112.1); c.4515T>C, p.Cys1505= (NM_080679.3); c.4578T>C, p.Cys1526= (NM_080681.3).
Identifiers: ClinVar variation 5039155 (VCV005039155.1).